The following is an entry in ClinVar:

ClinVar aggregate classification (germline): Likely benign (0 of 4 stars; one submission).

Conditions:
TTC8-related disorder. Also called: TTC8-related condition.

Submission:

PreventionGenetics, part of Exact Sciences
Classification: Likely benign for TTC8-related condition. Last evaluated: 2020-07-09. Review status: no assertion criteria provided. Collection method: clinical testing. Allele origin: germline.
Comment: This variant is classified as likely benign based on ACMG/AMP sequence variant interpretation guidelines (Richards et al. 2015 PMID: 25741868, with internal and published modifications).

NM_144596.4(TTC8):c.24G>C (p.Leu8=)

Gene: TTC8 (tetratricopeptide repeat domain 8; plus strand). Cytogenetic location: 14q31.3.
Variant type: single nucleotide variant.
Coding change: c.24G>C on transcript NM_144596.4 (MANE Select); coding-DNA position 24, G replaced by C.
Protein change: p.Leu8=; no amino-acid change (leucine 8 retained).
Molecular consequence: synonymous variant. On other transcripts: 5 prime UTR variant (2), non-coding transcript variant (1).
Genome position (GRCh38, 1-based): chr14:88,824,731, G>C. VCF-style: chr14-88824731-G-C. GRCh37 (hg19) VCF-style: chr14-89291075-G-C.
Other names: c.24G>C, p.Leu8= (NM_001288781.1, NM_001366535.2, NM_001366536.2 and 2 more transcripts); c.-539G>C (NM_001288782.1); c.-634G>C (NM_001288783.1).
Identifiers: ClinVar variation 3351426 (VCV003351426.1).